The following is an entry in ClinVar:

ClinVar aggregate classification (germline): Uncertain significance. Review status: criteria provided, multiple submitters, no conflicts (2 of 4 stars). 2 submissions from 2 submitters: Uncertain significance (2). Last evaluated 2025-06-09.

Conditions:
Cardiovascular phenotype. Identifiers: MedGen CN230736.

Submissions (2):

Ambry Genetics
Classification: Uncertain significance for Cardiovascular phenotype. Last evaluated: 2025-06-09. Review status: criteria provided, single submitter. Criteria: Ambry Variant Classification Scheme 2023. Collection method: clinical testing. Allele origin: germline.
Comment: The p.T3585A variant (also known as c.10753A>G), located in coding exon 39 of the ANK2 gene, results from an A to G substitution at nucleotide position 10753. The threonine at codon 3585 is replaced by alanine, an amino acid with similar properties. This amino acid position is conserved. In addition, this alteration is predicted to be deleterious by in silico analysis. Based on the available evidence, the clinical significance of this variant remains unclear.

Blueprint Genetics
Classification: Uncertain significance. Last evaluated: 2017-09-28. Review status: criteria provided, single submitter. Criteria: ACMG Guidelines, 2015. Collection method: clinical testing. Allele origin: germline.

NM_001148.6(ANK2):c.10753A>G (p.Thr3585Ala)

Gene: ANK2 (ankyrin 2; plus strand). Cytogenetic location: 4q26.
Variant type: single nucleotide variant.
Coding change: c.10753A>G on transcript NM_001148.6 (MANE Select); coding-DNA position 10753, A replaced by G.
Protein change: p.Thr3585Ala; replaces threonine 3585 with alanine.
Molecular consequence: missense variant.
Genome position (GRCh38, 1-based): chr4:113,360,894, A>G. VCF-style: chr4-113360894-A-G. GRCh37 (hg19) VCF-style: chr4-114282050-A-G.
Other names: c.4471A>G, p.Thr1491Ala (NM_001127493.3); c.4510A>G, p.Thr1504Ala (NM_001354225.2); c.4399A>G, p.Thr1467Ala (NM_001354228.2, NM_001354258.2); c.4477A>G, p.Thr1493Ala (NM_001354230.2); c.4540A>G, p.Thr1514Ala (NM_001354231.2, NM_001354242.2); c.4534A>G, p.Thr1512Ala (NM_001354232.2); c.4495A>G, p.Thr1499Ala (NM_001354235.2, NM_001354246.2, NM_001354265.2); c.4396A>G, p.Thr1466Ala (NM_001354236.2); and 35 more; short protein forms T1400A, T1405A, T1425A, T1445A, T1453A, T1455A, T1467A, T1478A.
Identifiers: ClinVar variation 4051395 (VCV004051395.2).